The following is an entry in ClinVar:

ClinVar aggregate classification (germline): Uncertain significance (1 of 4 stars; one submission).

Submission:

Ambry Genetics
Classification: Uncertain significance. Last evaluated: 2025-08-15. Review status: criteria provided, single submitter. Criteria: Ambry Variant Classification Scheme 2023. Collection method: clinical testing. Allele origin: germline.
Comment: The c.-3G>A variant is located in the 5' untranslated region (5&rsquo; UTR) of the RAD51B gene. This variant results from a G to A substitution 3 bases upstream from the first translated codon. This nucleotide position is highly conserved in available vertebrate species. The evidence for this gene-disease relationship is limited; therefore, the clinical significance of this alteration is unclear.

NM_133510.4(RAD51B):c.-3G>A

Genes: RAD51B (RAD51 paralog B; plus strand), LOC112272550 (Sharpr-MPRA regulatory region 13811; plus strand). Cytogenetic location: 14q24.1.
Variant type: single nucleotide variant.
Coding change: c.-3G>A on transcript NM_133510.4 (MANE Select); 3 bases upstream of the start codon, G replaced by A.
Molecular consequence: 5 prime UTR variant.
Genome position (GRCh38, 1-based): chr14:67,819,853, G>A. VCF-style: chr14-67819853-G-A. GRCh37 (hg19) VCF-style: chr14-68286570-G-A.
Other names: c.-3G>A (NM_001321809.2, NM_001321810.2, NM_001321814.2 and 5 more transcripts); c.-458G>A (NM_001321817.2).
Identifiers: ClinVar variation 4149852 (VCV004149852.1).